The following is an entry in ClinVar:

ClinVar aggregate classification (germline): Likely pathogenic. Review status: criteria provided, multiple submitters, no conflicts (2 of 4 stars). 2 submissions from 2 submitters: Likely pathogenic (2). Last evaluated 2024-11-01.

Conditions:
Polycystic kidney disease 4 (PKD4). Also called: POLYCYSTIC KIDNEY DISEASE 4 WITH OR WITHOUT POLYCYSTIC LIVER DISEASE; PKD3; POLYCYSTIC KIDNEY AND HEPATIC DISEASE 1; POLYCYSTIC KIDNEY DISEASE, INFANTILE, TYPE I; Autosomal Recessive Polycystic Kidney Disease – PKHD1. Identifiers: MedGen C4540575, MONDO:0033004, OMIM 263200.
Autosomal recessive polycystic kidney disease (ARPKD). Also called: AR polycystic kidney disease. Identifiers: Orphanet 731, Orphanet 8378, MedGen C0085548, MeSH D017044, MONDO:0009889.

Submissions (2):

Natera, Inc.
Classification: Likely pathogenic for Autosomal recessive polycystic kidney disease. Last evaluated: 2024-11-01. Review status: criteria provided, single submitter. Criteria: Natera Variant Classification Schema (03/2026). Collection method: clinical testing. Allele origin: germline.
Comment: The c.865del variant in PKHD1 is a frameshift variant predicted to shift the reading frame beginning at codon 289 and leads to a stop codon 30 codons downstream. This variant is expected to result in nonsense mediated decay, truncation, or a dysfunctional protein product. This variant is rare in the general population with a frequency below the threshold expected for the associated phenotype(s). Given the available evidence, this variant is classified as Likely Pathogenic.

Baylor Genetics
Classification: Likely pathogenic for Polycystic kidney disease 4. Last evaluated: 2024-02-29. Review status: criteria provided, single submitter. Criteria: ACMG Guidelines, 2015. Collection method: clinical testing. Allele origin: unknown.

NM_138694.4(PKHD1):c.865del (p.Gln289fs)

Gene: PKHD1 (PKHD1 ciliary IPT domain containing fibrocystin/polyductin; minus strand). Cytogenetic location: 6p12.2.
Variant type: Deletion.
Coding change: c.865del on transcript NM_138694.4 (MANE Select); coding-DNA position 865, one base deleted (C; older notation c.865delC).
Protein change: p.Gln289fs; shifts the reading frame from glutamine 289.
Molecular consequence: frameshift variant.
Genome position (GRCh38, 1-based): chr6:52,065,991, G deleted on the plus strand (C on the coding strand, the reverse complement: PKHD1 is on the minus strand); the first of 3 consecutive G bases (chr6:52,065,991-52,065,993); deleting any one gives the same sequence. VCF-style (leftmost placement, unchanged base first): chr6-52065990-TG-T. GRCh37 (hg19) VCF-style: chr6-51930788-TG-T.
Other names: c.865del, p.Gln289fs (NM_170724.3); c.865del (NM_138694.3); short protein forms Q289fs.
Identifiers: ClinVar variation 3240133 (VCV003240133.2), dbSNP rs2533506554.